The following is an entry in ClinVar:

ClinVar aggregate classification (germline): Benign (1 of 4 stars; one submission).

Conditions:
Sessile serrated polyposis cancer syndrome (SSPCS). Identifiers: Orphanet 157798, MedGen C4310714, MONDO:0014919, OMIM 617108.

gnomAD v4.1: 1 of 1,613,222 alleles (0.000062%); highest among the groups gnomAD compares: South Asian, 0.0011%; no homozygotes.

Submission:

Myriad Genetics, Inc.
Classification: Benign for Sessile serrated polyposis cancer syndrome. Last evaluated: 2026-07-01. Review status: criteria provided, single submitter. Criteria: Myriad Autosomal Dominant, Autosomal Recessive and X-Linked Classification Criteria (2023). Collection method: clinical testing. Allele origin: unknown.
Comment: This variant is considered benign. This variant is a silent/synonymous amino acid change and it is not expected to impact splicing.

NM_017763.6(RNF43):c.945C>T (p.Asn315=)

Gene: RNF43 (ring finger protein 43; minus strand). Cytogenetic location: 17q22.
Variant type: single nucleotide variant.
Coding change: c.945C>T on transcript NM_017763.6 (MANE Select); coding-DNA position 945, C replaced by T.
Protein change: p.Asn315=; no amino-acid change (asparagine 315 retained).
Molecular consequence: synonymous variant.
Genome position (GRCh38, 1-based): chr17:58,360,156, G>A on the plus strand (C>T on the coding strand, the complement: RNF43 is on the minus strand). VCF-style: chr17-58360156-G-A. GRCh37 (hg19) VCF-style: chr17-56437517-G-A.
Other names: c.945C>T, p.Asn315= (NM_001305544.3, NM_001438820.1, NM_001438821.1 and 1 more transcripts); c.564C>T, p.Asn188= (NM_001305545.2, NM_001437987.1).
Identifiers: ClinVar variation 5042401 (VCV005042401.1).